The following is an entry in ClinVar:

NM_005732.4(RAD50):c.3725T>A (p.Ile1242Asn)

Genes: TH2LCRR (T helper type 2 locus control region associated RNA; minus strand), RAD50 (RAD50 double strand break repair protein; plus strand), TH2-LCR (Th2 cytokine locus control region; plus strand). Cytogenetic location: 5q31.1.
Variant type: single nucleotide variant.
Coding change: c.3725T>A on transcript NM_005732.4 (MANE Select); coding-DNA position 3725, T replaced by A.
Protein change: p.Ile1242Asn; replaces isoleucine 1242 with asparagine.
Molecular consequence: missense variant.
Genome position (GRCh38, 1-based): chr5:132,640,778, T>A. VCF-style: chr5-132640778-T-A. GRCh37 (hg19) VCF-style: chr5-131976470-T-A.
Other names: c.3725T>A (NM_005732.3); short protein forms I1242N.
Identifiers: ClinVar variation 3002629 (VCV003002629.4), dbSNP rs773179252, ClinGen allele CA360934801.

ClinVar aggregate classification (germline): Uncertain significance. Review status: criteria provided, multiple submitters, no conflicts (2 of 4 stars). 2 submissions from 2 submitters: Uncertain significance (2). Last evaluated 2026-01-03.

Conditions:
Hereditary cancer-predisposing syndrome. Also called: Neoplastic Syndromes, Hereditary; Tumor predisposition; Hereditary Cancer Syndrome; Hereditary neoplastic syndrome. Identifiers: Orphanet 140162, MedGen C0027672, MeSH D009386, MONDO:0015356.

Submissions (2):

Ambry Genetics
Classification: Uncertain significance for Hereditary cancer-predisposing syndrome. Last evaluated: 2026-01-03. Review status: criteria provided, single submitter. Criteria: Ambry Variant Classification Scheme 2023. Collection method: clinical testing. Allele origin: germline.
Comment: The p.I1242N variant (also known as c.3725T>A), located in coding exon 24 of the RAD50 gene, results from a T to A substitution at nucleotide position 3725. The isoleucine at codon 1242 is replaced by asparagine, an amino acid with dissimilar properties. This amino acid position is conserved. In addition, this alteration is predicted to be deleterious by in silico analysis. Based on the available evidence, the clinical significance of this variant remains unclear.

Labcorp Genetics (formerly Invitae), Labcorp
Classification: Uncertain significance for Hereditary cancer-predisposing syndrome. Last evaluated: 2023-09-27. Review status: criteria provided, single submitter. Criteria: Invitae Variant Classification Sherloc (09022015). Collection method: clinical testing. Allele origin: germline.
Comment: In summary, the available evidence is currently insufficient to determine the role of this variant in disease. Therefore, it has been classified as a Variant of Uncertain Significance. Advanced modeling of protein sequence and biophysical properties (such as structural, functional, and spatial information, amino acid conservation, physicochemical variation, residue mobility, and thermodynamic stability) performed at Invitae indicates that this missense variant is expected to disrupt RAD50 protein function. This variant has not been reported in the literature in individuals affected with RAD50-related conditions. This variant is not present in population databases (gnomAD no frequency). This sequence change replaces isoleucine, which is neutral and non-polar, with asparagine, which is neutral and polar, at codon 1242 of the RAD50 protein (p.Ile1242Asn).